The following is an entry in ClinVar:

ClinVar aggregate classification (germline): Likely benign. Review status: criteria provided, multiple submitters, no conflicts (2 of 4 stars). 7 submissions from 7 submitters: Likely benign (5). 2 of the submissions do not count toward it. Last evaluated 2025-11-12.

Conditions:
COL4A3-related disorder. Also called: COL4A3-Related Disorders; COL4A3-related condition.
Alport syndrome. Also called: Hemorrhagic familial nephritis; Hemorrhagic hereditary nephritis; Congenital hereditary hematuria. Identifiers: Orphanet 63, MedGen C1567741, MONDO:0018965.
Autosomal dominant Alport syndrome (ATS3A). Also called: Alport syndrome dominant type; Renal failure and sensorineural hearing loss; ALPORT SYNDROME 3A, AUTOSOMAL DOMINANT. Identifiers: Orphanet 63, Orphanet 88918, MedGen C5882663, MONDO:0007086, OMIM 104200.
Autosomal recessive Alport syndrome (ATS2). Also called: COL4A4 Alport Syndrome and Thin Basement Membrane Nephropathy; ALPORT SYNDROME 2, AUTOSOMAL RECESSIVE; COL4A3-Related Nephropathy; Alport syndrome type 2. Identifiers: Orphanet 63, Orphanet 88919, MedGen C4746745, MONDO:0008762, OMIM 203780.
Benign familial hematuria. Also called: thin basement membrane disease. Identifiers: MedGen C0241908, MONDO:0957317.

Allele frequency attached by ClinVar (database versions not stated): TOPMed 0.00002; 1000 Genomes Project 30x 0.00016.
gnomAD v4.1: 183 of 1,609,868 alleles (0.011%); highest among the groups gnomAD compares: South Asian, 0.18%; 2 homozygotes.

Submissions (7):

Labcorp Genetics (formerly Invitae), Labcorp
Classification: Likely benign. Last evaluated: 2025-11-12. Review status: criteria provided, single submitter. Criteria: Invitae Variant Classification Sherloc (09022015). Collection method: clinical testing. Allele origin: germline.

ARUP Laboratories, Molecular Genetics and Genomics, ARUP Laboratories
Classification: Likely benign. Last evaluated: 2025-05-12. Review status: criteria provided, single submitter. Criteria: ARUP Molecular Germline Variant Investigation Process 2024. Collection method: clinical testing. Allele origin: germline.

Blueprint Genetics
Classification: Likely benign. Last evaluated: 2023-04-27. Review status: criteria provided, single submitter. Criteria: ACMG Guidelines, 2015. Collection method: clinical testing. Allele origin: germline.

CeGaT Center for Human Genetics Tuebingen
Classification: Likely benign. Last evaluated: 2022-12-01. Review status: criteria provided, single submitter. Criteria: CeGaT Center For Human Genetics Tuebingen Variant Classification Criteria Version 2. Collection method: clinical testing. Allele origin: germline. Affected: yes. Observed: 1 variant allele.
Comment: COL4A3: BP4, BP7

Fulgent Genetics
Classification: Likely benign for Autosomal dominant Alport syndrome; Hematuria, benign familial, 1; Autosomal recessive Alport syndrome. Last evaluated: 2021-12-15. Review status: criteria provided, single submitter. Criteria: ACMG Guidelines, 2015. Collection method: clinical testing. Allele origin: unknown.

Natera, Inc.
Classification: Likely benign for Alport syndrome. Last evaluated: 2020-09-16. Review status: no assertion criteria provided. Collection method: clinical testing. Allele origin: germline. Not counted in ClinVar's aggregate classification.

PreventionGenetics, part of Exact Sciences
Classification: Likely benign for COL4A3-related condition. Last evaluated: 2020-01-15. Review status: no assertion criteria provided. Collection method: clinical testing. Allele origin: germline. Not counted in ClinVar's aggregate classification.
Comment: This variant is classified as likely benign based on ACMG/AMP sequence variant interpretation guidelines (Richards et al. 2015 PMID: 25741868, with internal and published modifications).

NM_000091.5(COL4A3):c.222G>A (p.Pro74=)

Genes: COL4A3 (collagen type IV alpha 3 chain; plus strand), MFF-DT (MFF divergent transcript; minus strand). Cytogenetic location: 2q36.3.
Variant type: single nucleotide variant.
Coding change: c.222G>A on transcript NM_000091.5 (MANE Select); coding-DNA position 222, G replaced by A.
Protein change: p.Pro74=; no amino-acid change (proline 74 retained).
Molecular consequence: synonymous variant.
Genome position (GRCh38, 1-based): chr2:227,240,220, G>A. VCF-style: chr2-227240220-G-A. GRCh37 (hg19) VCF-style: chr2-228104936-G-A.
Identifiers: ClinVar variation 751501 (VCV000751501.40), dbSNP rs187950806, ClinGen allele CA2145946.
Genomic context (GRCh38, chr2:227,240,220, plus strand): 5'-TGGACCCCCCGGTTCTCCTGGCCAGAAAGGATTCACAGGTCCTGAAGGCTTGCCTGGACC[G>A]CAGGGACCCAAGGTATGTCATCCTGCAAGCTTGGAAAATCCCCAACCCACCTAACCCTCT-3'
Protein context (NP_000082.2, residues 64-84): GFTGPEGLPG[Pro74=]QGPKGFPGLP